The following is an entry in ClinVar:

NM_018896.5(CACNA1G):c.3628C>T (p.Arg1210Trp)

Gene: CACNA1G (calcium voltage-gated channel subunit alpha1 G; plus strand). Cytogenetic location: 17q21.33.
Variant type: single nucleotide variant.
Coding change: c.3628C>T on transcript NM_018896.5 (MANE Select); coding-DNA position 3628, C replaced by T.
Protein change: p.Arg1210Trp; replaces arginine 1210 with tryptophan.
Molecular consequence: missense variant. On other transcripts: non-coding transcript variant (5).
Genome position (GRCh38, 1-based): chr17:50,599,797, C>T. VCF-style: chr17-50599797-C-T. GRCh37 (hg19) VCF-style: chr17-48677158-C-T.
Other names: c.3628C>T (NM_018896.3); c.3628C>T, p.Arg1210Trp (NM_001256324.2, NM_001256325.2, NM_001256326.2 and 16 more transcripts); c.3559C>T, p.Arg1187Trp (NM_001256332.2, NM_198376.3, NM_198379.3 and 5 more transcripts); short protein forms R1187W, R1210W.
Identifiers: ClinVar variation 2647916 (VCV002647916.26), dbSNP rs772770633, ClinGen allele CA8652762.
Genomic context (GRCh38, chr17:50,599,797, plus strand): 5'-CGAGGGTCTGCTTCTGAGCACCAGGACTGCAATGGCAAGTCGGCTTCAGGGCGCCTGGCC[C>T]GGGCCCTGCGGCCTGATGACCCCCCACTGGATGGGGATGACGCCGATGACGAGGGCAACC-3'
Protein context (NP_061496.2, residues 1200-1220): NGKSASGRLA[Arg1210Trp]ALRPDDPPLD

ClinVar aggregate classification (germline): Conflicting classifications of pathogenicity. Review status: criteria provided, conflicting classifications (1 of 4 stars). 3 submissions from 3 submitters: Uncertain significance (2); Likely benign (1). Last evaluated 2025-10-01.

Conditions:
Inborn genetic diseases. Identifiers: MedGen C0950123, MeSH D030342.

Allele frequency attached by ClinVar (database versions not stated): ExAC 0.00002; gnomAD 0.00002; gnomAD exomes 0.00002; TOPMed 0.00002.
gnomAD v4.1: 38 of 1,612,482 alleles (0.0024%); highest among the groups gnomAD compares: South Asian, 0.0055%; 1 homozygote.

Submissions (3):

Women's Health and Genetics/Laboratory Corporation of America, LabCorp
Classification: Uncertain significance. Last evaluated: 2025-10-01. Review status: criteria provided, single submitter. Criteria: LabCorp Variant Classification Summary - May 2015. Collection method: clinical testing. Allele origin: germline.
Comment: Variant summary: CACNA1G c.3628C>T (p.Arg1210Trp) results in a non-conservative amino acid change in the encoded protein sequence. Algorithms developed to predict the effect of missense changes on protein structure and function are either unavailable or do not agree on the potential impact of this missense change. The variant allele was found at a frequency of 2.8e-05 in 245964 control chromosomes in the gnomAD database, including 1 homozygotes. The available data on variant occurrences in the general population are insufficient to allow any conclusion about variant significance. To our knowledge, no occurrence of c.3628C>T in individuals affected with CACNA1G-related conditions and no experimental evidence demonstrating its impact on protein function have been reported. ClinVar contains an entry for this variant (Variation ID: 2647916). Based on the evidence outlined above, the variant was classified as uncertain significance.

Ambry Genetics
Classification: Uncertain significance for Inborn genetic diseases. Last evaluated: 2024-01-08. Review status: criteria provided, single submitter. Criteria: Ambry Variant Classification Scheme 2023. Collection method: clinical testing. Allele origin: germline.

CeGaT Center for Human Genetics Tuebingen
Classification: Likely benign. Last evaluated: 2023-05-01. Review status: criteria provided, single submitter. Criteria: CeGaT Center For Human Genetics Tuebingen Variant Classification Criteria Version 2. Collection method: clinical testing. Allele origin: germline. Affected: yes. Observed: 1 variant allele.
Comment: CACNA1G: BS2